The following is an entry in ClinVar:

NM_000297.4(PKD2):c.2729G>C (p.Arg910Pro)

Gene: PKD2 (polycystin 2, transient receptor potential cation channel; plus strand). Cytogenetic location: 4q22.1.
Variant type: single nucleotide variant.
Coding change: c.2729G>C on transcript NM_000297.4 (MANE Select); coding-DNA position 2729, G replaced by C.
Protein change: p.Arg910Pro; replaces arginine 910 with proline.
Molecular consequence: missense variant. On other transcripts: non-coding transcript variant (1).
Genome position (GRCh38, 1-based): chr4:88,075,516, G>C. VCF-style: chr4-88075516-G-C. GRCh37 (hg19) VCF-style: chr4-88996668-G-C.
Other names: short protein forms R910P.
Identifiers: ClinVar variation 700354 (VCV000700354.12), dbSNP rs144590958, ClinGen allele CA3004348.
Genomic context (GRCh38, chr4:88,075,516, plus strand): 5'-AGGATGAAAGGCTGGGTCGTGACAGTGAAATCCATAGGGAACAGATGGAACGGCTAGTAC[G>C]TGAAGAGTTGGAACGCTGGGAATCCGATGATGCAGCTTCCCAGATCAGTCATGGTTTAGG-3'
Protein context (NP_000288.1, residues 900-920): IHREQMERLV[Arg910Pro]EELERWESDD

ClinVar aggregate classification (germline): Conflicting classifications of pathogenicity. Review status: criteria provided, conflicting classifications (1 of 4 stars). 3 submissions from 3 submitters: Uncertain significance (1); Likely benign (2). Last evaluated 2025-12-10.

Conditions:
Autosomal dominant polycystic kidney disease. Identifiers: Orphanet 730, MedGen C0085413, MONDO:0004691.
PKD2-related disorder. Also called: PKD2-related condition.

Allele frequency attached by ClinVar (database versions not stated): TOPMed 0.00022; ESP Exome Variant Server 0.00031.
gnomAD v4.1: 78 of 1,614,040 alleles (0.0048%); highest among the groups gnomAD compares: African/African-American, 0.097%; no homozygotes.

Submissions (3):

GeneDx
Classification: Uncertain significance. Last evaluated: 2025-12-10. Review status: criteria provided, single submitter. Criteria: GeneDx Variant Classification Process June 2021. Collection method: clinical testing. Allele origin: germline. Affected: yes.
Comment: In silico analysis supports that this missense variant has a deleterious effect on protein structure/function; Has not been previously published as pathogenic or benign to our knowledge

PreventionGenetics, part of Exact Sciences
Classification: Likely benign for PKD2-related condition. Last evaluated: 2025-05-19. Review status: criteria provided, single submitter. Criteria: ACMG Guidelines, 2015. Collection method: clinical testing. Allele origin: germline.
Comment: This variant is classified as likely benign based on ACMG/AMP sequence variant interpretation guidelines (Richards et al. 2015 PMID: 25741868, with internal and published modifications).

Labcorp Genetics (formerly Invitae), Labcorp
Classification: Likely benign for Autosomal dominant polycystic kidney disease. Last evaluated: 2025-05-04. Review status: criteria provided, single submitter. Criteria: Invitae Variant Classification Sherloc (09022015). Collection method: clinical testing. Allele origin: germline.